The following is an entry in ClinVar:

ClinVar aggregate classification (germline): Uncertain significance. Review status: criteria provided, multiple submitters, no conflicts (2 of 4 stars). 2 submissions from 2 submitters: Uncertain significance (2). Last evaluated 2025-10-22.

Allele frequency attached by ClinVar (database versions not stated): gnomAD 0.00001; gnomAD exomes 0.00001.
gnomAD v4.1: 30 of 1,610,364 alleles (0.0019%); highest among the groups gnomAD compares: East Asian, 0.0022%; no homozygotes.

Submissions (2):

Ambry Genetics
Classification: Uncertain significance. Last evaluated: 2025-10-22. Review status: criteria provided, single submitter. Criteria: Ambry Variant Classification Scheme 2023. Collection method: clinical testing. Allele origin: germline.

Labcorp Genetics (formerly Invitae), Labcorp
Classification: Uncertain significance. Last evaluated: 2024-10-20. Review status: criteria provided, single submitter. Criteria: Invitae Variant Classification Sherloc (09022015). Collection method: clinical testing. Allele origin: germline.
Comment: This sequence change replaces arginine, which is basic and polar, with histidine, which is basic and polar, at codon 545 of the VAV1 protein (p.Arg545His). The frequency data for this variant in the population databases is considered unreliable, as metrics indicate poor data quality at this position in the gnomAD database. This variant has not been reported in the literature in individuals affected with VAV1-related conditions. ClinVar contains an entry for this variant (Variation ID: 1365002). An algorithm developed to predict the effect of missense changes on protein structure and function (PolyPhen-2) suggests that this variant is likely to be disruptive. In summary, the available evidence is currently insufficient to determine the role of this variant in disease. Therefore, it has been classified as a Variant of Uncertain Significance.

NM_005428.4(VAV1):c.1634G>A (p.Arg545His)

Gene: VAV1 (vav guanine nucleotide exchange factor 1; plus strand). Cytogenetic location: 19p13.3.
Variant type: single nucleotide variant.
Coding change: c.1634G>A on transcript NM_005428.4 (MANE Select); coding-DNA position 1634, G replaced by A.
Protein change: p.Arg545His; replaces arginine 545 with histidine.
Molecular consequence: missense variant.
Genome position (GRCh38, 1-based): chr19:6,833,551, G>A. VCF-style: chr19-6833551-G-A. GRCh37 (hg19) VCF-style: chr19-6833562-G-A.
Other names: c.1634G>A (NM_005428.2); c.1634G>A, p.Arg545His (NM_001258206.2); c.1538G>A, p.Arg513His (NM_001258207.2); short protein forms R513H, R545H.
Identifiers: ClinVar variation 1365002 (VCV001365002.9), dbSNP rs1172825998, ClinGen allele CA403628821.